The following is an entry in ClinVar:

NM_033118.4(MYLK2):c.881G>A (p.Gly294Asp)

Gene: MYLK2 (myosin light chain kinase 2; plus strand). Cytogenetic location: 20q11.21.
Variant type: single nucleotide variant.
Coding change: c.881G>A on transcript NM_033118.4 (MANE Select); coding-DNA position 881, G replaced by A.
Protein change: p.Gly294Asp; replaces glycine 294 with aspartic acid.
Molecular consequence: missense variant.
Genome position (GRCh38, 1-based): chr20:31,824,261, G>A. VCF-style: chr20-31824261-G-A. GRCh37 (hg19) VCF-style: chr20-30412064-G-A.
Other names: short protein forms G294D.
Identifiers: ClinVar variation 3401150 (VCV003401150.1).

ClinVar aggregate classification (germline): Uncertain significance (1 of 4 stars; one submission).

Submission:

Ambry Genetics
Classification: Uncertain significance. Last evaluated: 2024-08-19. Review status: criteria provided, single submitter. Criteria: Ambry Variant Classification Scheme 2023. Collection method: clinical testing. Allele origin: germline.
Comment: The p.G294D variant (also known as c.881G>A), located in coding exon 5 of the MYLK2 gene, results from a G to A substitution at nucleotide position 881. The glycine at codon 294 is replaced by aspartic acid, an amino acid with similar properties. This amino acid position is conserved. In addition, this alteration is predicted to be deleterious by in silico analysis. Based on the available evidence, the clinical significance of this variant remains unclear.